The following is an entry in ClinVar:

ClinVar aggregate classification (germline): Uncertain significance. Review status: criteria provided, multiple submitters, no conflicts (2 of 4 stars). 2 submissions from 2 submitters: Uncertain significance (2). Last evaluated 2024-11-15.

Conditions:
Inborn genetic diseases. Identifiers: MedGen C0950123, MeSH D030342.

Allele frequency attached by ClinVar (database versions not stated): gnomAD exomes below 0.00001 and 0.00004; TOPMed 0.00003; gnomAD 0.00005 and 0.00006.
gnomAD v4.1: 62 of 1,614,030 alleles (0.0038%); highest among the groups gnomAD compares: Non-Finnish European, 0.0047%; no homozygotes.

Submissions (2):

Ambry Genetics
Classification: Uncertain significance for Inborn genetic diseases. Last evaluated: 2024-11-15. Review status: criteria provided, single submitter. Criteria: Ambry Variant Classification Scheme 2023. Collection method: clinical testing. Allele origin: germline.

Labcorp Genetics (formerly Invitae), Labcorp
Classification: Uncertain significance. Last evaluated: 2022-06-20. Review status: criteria provided, single submitter. Criteria: Invitae Variant Classification Sherloc (09022015). Collection method: clinical testing. Allele origin: germline.
Comment: This sequence change replaces valine, which is neutral and non-polar, with methionine, which is neutral and non-polar, at codon 693 of the EXTL3 protein (p.Val693Met). This variant is present in population databases (no rsID available, gnomAD 0.002%). This variant has not been reported in the literature in individuals affected with EXTL3-related conditions. Algorithms developed to predict the effect of missense changes on protein structure and function are either unavailable or do not agree on the potential impact of this missense change (SIFT: "Deleterious"; PolyPhen-2: "Probably Damaging"; Align-GVGD: "Class C0"). In summary, the available evidence is currently insufficient to determine the role of this variant in disease. Therefore, it has been classified as a Variant of Uncertain Significance.

NM_001440.4(EXTL3):c.2077G>A (p.Val693Met)

Gene: EXTL3 (exostosin like glycosyltransferase 3; plus strand). Cytogenetic location: 8p21.1.
Variant type: single nucleotide variant.
Coding change: c.2077G>A on transcript NM_001440.4 (MANE Select); coding-DNA position 2077, G replaced by A.
Protein change: p.Val693Met; replaces valine 693 with methionine.
Molecular consequence: missense variant.
Genome position (GRCh38, 1-based): chr8:28,718,136, G>A. VCF-style: chr8-28718136-G-A. GRCh37 (hg19) VCF-style: chr8-28575653-G-A.
Other names: c.2077G>A (NM_001440.2); short protein forms V693M.
Identifiers: ClinVar variation 1450141 (VCV001450141.6), dbSNP rs1018298399, ClinGen allele CA174387926.
Genomic context (GRCh38, chr8:28,718,136, plus strand): 5'-GAGGAAGTGCTTATGAACTCTTTAGAGAGGCTGAATGGCCTCCCTTACCTGAACAAGGTC[G>A]TGGTGGTGTGGAATTCTCCCAAGCTGCCATCAGAGGACCTTCTGTGGCCTGACATTGGCG-3'
Protein context (NP_001431.1, residues 683-703): LNGLPYLNKV[Val693Met]VVWNSPKLPS